The following is an entry in ClinVar:

NM_000052.7(ATP7A):c.553T>A (p.Cys185Ser)

Gene: ATP7A (ATPase copper transporting alpha; plus strand). Cytogenetic location: Xq21.1.
Variant type: single nucleotide variant.
Coding change: c.553T>A on transcript NM_000052.7 (MANE Select); coding-DNA position 553, T replaced by A.
Protein change: p.Cys185Ser; replaces cysteine 185 with serine.
Molecular consequence: missense variant.
Genome position (GRCh38, 1-based): chrX:77,988,674, T>A. VCF-style: chrX-77988674-T-A. GRCh37 (hg19) VCF-style: chrX-77244170-T-A.
Other names: c.553T>A, p.Cys185Ser (NM_001282224.2); short protein forms C185S.
Identifiers: ClinVar variation 1810573 (VCV001810573.2), dbSNP rs782791423, ClinGen allele CA331102990.

ClinVar aggregate classification (germline): Uncertain significance (1 of 4 stars; one submission).

Allele frequency attached by ClinVar (database versions not stated): gnomAD exomes 0.00001.
gnomAD v4.1: 5 of 1,211,322 alleles (0.00041%); highest among the groups gnomAD compares: Non-Finnish European, 0.00056%; no homozygotes.

Submission:

GeneDx
Classification: Uncertain significance. Last evaluated: 2025-11-11. Review status: criteria provided, single submitter. Criteria: GeneDx Variant Classification Process June 2021. Collection method: clinical testing. Allele origin: germline.
Comment: Not observed at significant frequency in large population cohorts (gnomAD); In silico analysis supports that this missense variant has a deleterious effect on protein structure/function; Has not been previously published as pathogenic or benign to our knowledge